The following is an entry in ClinVar:

NM_033305.3(VPS13A):c.6404dup (p.Ser2136fs)

Gene: VPS13A (vacuolar protein sorting 13 homolog A; plus strand). Cytogenetic location: 9q21.2.
Variant type: Duplication.
Coding change: c.6404dup on transcript NM_033305.3 (MANE Select); coding-DNA position 6404, one base duplicated (T; older notation c.6404dupT).
Protein change: p.Ser2136fs; shifts the reading frame from serine 2136.
Molecular consequence: frameshift variant.
Genome position (GRCh38, 1-based): chr9:77,339,541, T duplicated. VCF-style (leftmost placement, unchanged base first): chr9-77339540-C-CT. GRCh37 (hg19) VCF-style: chr9-79954456-C-CT.
Other names: c.6287dup, p.Ser2097fs (NM_001018037.2); c.6404dup, p.Ser2136fs (NM_001018038.3, NM_015186.4); c.6404dup (NM_033305.2); short protein forms S2097fs, S2136fs.
Identifiers: ClinVar variation 4683 (VCV000004683.19), dbSNP rs951347128, ClinGen allele CA194385083.

ClinVar aggregate classification (germline): Pathogenic/Likely pathogenic. Review status: criteria provided, multiple submitters, no conflicts (2 of 4 stars). 7 submissions from 7 submitters: Pathogenic (5); Likely pathogenic (1). 1 of the submissions does not count toward it. Last evaluated 2025-11-22.

Conditions:
VPS13A-related neurodegenerative disease. Also called: Choreaacanthocytosis; VPS13A Disease; LEVINE-CRITCHLEY SYNDROME; Choreoacanthocytosis; Chorea-acanthocytosis; ACANTHOCYTOSIS WITH NEUROLOGIC DISORDER. Identifiers: Orphanet 2388, MedGen C0393576, MONDO:0008695, OMIM 200150.

Allele frequency attached by ClinVar (database versions not stated): TOPMed 0.00007; ESP Exome Variant Server 0.00024; gnomAD 0.00003; gnomAD exomes 0.00004 and 0.00010.

Submissions (7):

Labcorp Genetics (formerly Invitae), Labcorp
Classification: Pathogenic. Last evaluated: 2025-11-22. Review status: criteria provided, single submitter. Criteria: Invitae Variant Classification Sherloc (09022015). Collection method: clinical testing. Allele origin: germline.
Comment: This sequence change creates a premature translational stop signal (p.Ser2136Lysfs*2) in the VPS13A gene. It is expected to result in an absent or disrupted protein product. Loss-of-function variants in VPS13A are known to be pathogenic (PMID: 12404112, 21598378). This variant is present in population databases (no rsID available, gnomAD 0.008%). This premature translational stop signal has been observed in individual(s) with choreo-acanthocytosis (PMID: 11381253, 21598378). This variant is also known as 6404-6405insT, 2135Lfsx1. ClinVar contains an entry for this variant (Variation ID: 4683). For these reasons, this variant has been classified as Pathogenic.

Natera, Inc.
Classification: Pathogenic for Choreaacanthocytosis. Last evaluated: 2024-10-30. Review status: criteria provided, single submitter. Criteria: Natera Variant Classification Schema (03/2026). Collection method: clinical testing. Allele origin: germline.
Comment: The c.6404dupT variant in VPS13A is a frameshift variant predicted to shift the reading frame beginning at codon 2136 and leads to a stop codon 2 codons downstream. This variant is expected to result in nonsense mediated decay, truncation, or a dysfunctional protein product. This variant is rare in the general population with a frequency below the threshold expected for the associated phenotype(s). This variant has been observed in one or more individuals affected with the associated recessive disease, as either homozygous or compound heterozygous with a second variant (PMID: 21598378). Given the available evidence, this variant is classified as Pathogenic.

Fulgent Genetics
Classification: Pathogenic for VPS13A-related neurodegenerative disease. Last evaluated: 2024-05-14. Review status: criteria provided, single submitter. Criteria: ACMG Guidelines, 2015. Collection method: clinical testing. Allele origin: germline.

Myriad Genetics, Inc.
Classification: Pathogenic for VPS13A-related neurodegenerative disease. Last evaluated: 2024-05-14. Review status: criteria provided, single submitter. Criteria: Myriad Autosomal Dominant, Autosomal Recessive and X-Linked Classification Criteria (2023). Collection method: clinical testing. Allele origin: unknown.
Comment: NM_033305.2(VPS13A):c.6404dupT(S2136Kfs*2) is expected to be pathogenic in the context of VPS13A disease. This variant is predicted to lead to an abnormal or absent protein product due to the creation of a premature termination codon in VPS13A, a gene where loss-of-function variants are known to be pathogenic. Please note: this variant was assessed in the context of healthy population screening.

CENTOGENE GmbH and LLC - Guiding Precision Medicine
Classification: Pathogenic for VPS13A-related neurodegenerative disease. Last evaluated: 2020-12-15. Review status: criteria provided, single submitter. Criteria: ACMG Guidelines, 2015. Collection method: clinical testing. Allele origin: germline. Affected: yes.

Neuberg Centre For Genomic Medicine, NCGM
Classification: Likely pathogenic for VPS13A-related neurodegenerative disease. Review status: criteria provided, single submitter. Criteria: ACMG Guidelines, 2015. Collection method: clinical testing. Allele origin: germline. Inheritance: Autosomal recessive inheritance. Affected: yes.
Comment: The frameshift variant c.6404dup (p.Ser2136LysfsTer2) in VPS13A gene has been observed in combination with another VPS13A variant in individuals affected with choreo-acanthocytosis (Tomiyasu A et.al.,2011). This variant has been reported to the ClinVar database as Pathogenic. The p.Ser2136LysfsTer2 variant is novel (not in any individuals) in 1000 Genomes and allele frequency of 0.00003733% is reported in gnomAD. This variant causes a frameshift starting with codon Serine 2136, changes this amino acid to Lysine residue, and creates a premature Stop codon at position 2 of the new reading frame, denoted p.Ser2136LysfsTer2. For these reasons, this variant has been classified as Likely Pathogenic.

OMIM
Classification: Pathogenic for CHOREOACANTHOCYTOSIS. Last evaluated: 2001-06-01. Review status: no assertion criteria provided. Collection method: literature only. Allele origin: germline. Not counted in ClinVar's aggregate classification.

Literature cited by the submitters: PubMed 12404112 (cited by Labcorp Genetics (formerly Invitae), Labcorp); PubMed 21598378 (cited by Labcorp Genetics (formerly Invitae), Labcorp and Natera, Inc.); PubMed 11381253 (cited by Labcorp Genetics (formerly Invitae), Labcorp and OMIM).